The following is an entry in ClinVar:

ClinVar aggregate classification (germline): Uncertain significance (1 of 4 stars; one submission).

Conditions:
Cardiovascular phenotype. Identifiers: MedGen CN230736.

Submission:

Ambry Genetics
Classification: Uncertain significance for Cardiovascular phenotype. Last evaluated: 2025-03-25. Review status: criteria provided, single submitter. Criteria: Ambry Variant Classification Scheme 2023. Collection method: clinical testing. Allele origin: germline.
Comment: The p.R2976C variant (also known as c.8926C>T), located in coding exon 25 of the TNXB gene, results from a C to T substitution at nucleotide position 8926. The arginine at codon 2976 is replaced by cysteine, an amino acid with highly dissimilar properties. This amino acid position is conserved. In addition, this alteration is predicted to be tolerated by in silico analysis. Based on the available evidence, the clinical significance of this variant remains unclear.

NM_001365276.2(TNXB):c.8932C>T (p.Arg2978Cys)

Gene: TNXB (tenascin XB; minus strand). Cytogenetic location: 6p21.33.
Variant type: single nucleotide variant.
Coding change: c.8932C>T on transcript NM_001365276.2 (MANE Select); coding-DNA position 8932, C replaced by T.
Protein change: p.Arg2978Cys; replaces arginine 2978 with cysteine.
Molecular consequence: missense variant.
Genome position (GRCh38, 1-based): chr6:32,052,853, G>A on the plus strand (C>T on the coding strand, the complement: TNXB is on the minus strand). VCF-style: chr6-32052853-G-A. GRCh37 (hg19) VCF-style: chr6-32020630-G-A.
Other names: c.9673C>T, p.Arg3225Cys (NM_001428335.1); c.8926C>T, p.Arg2976Cys (NM_019105.8); short protein forms R2976C, R2978C, R3225C.
Identifiers: ClinVar variation 3971983 (VCV003971983.1).